The following is an entry in ClinVar:

ClinVar aggregate classification (germline): Pathogenic/Likely pathogenic. Review status: criteria provided, multiple submitters, no conflicts (2 of 4 stars). 4 submissions from 4 submitters: Pathogenic (1); Likely pathogenic (3). Last evaluated 2026-02-26.

Conditions:
Neurofibromatosis, type 1 (NF1). Also called: VON RECKLINGHAUSEN DISEASE; NEUROFIBROMATOSIS, TYPE I, SOMATIC; Peripheral type neurofibromatosis; Neurofibromatosis, type I. Identifiers: Orphanet 636, MedGen C0027831, MONDO:0018975, OMIM 162200. Disease mechanism: loss of function.

Submissions (4):

NHS Central & South Genomic Laboratory Hub
Classification: Likely pathogenic for Neurofibromatosis type 1. Last evaluated: 2026-02-26. Review status: criteria provided, single submitter. Criteria: ACMG Guidelines, 2015. Collection method: clinical testing. Allele origin: germline. Affected: yes.

Labcorp Genetics (formerly Invitae), Labcorp
Classification: Pathogenic for Neurofibromatosis, type 1. Last evaluated: 2026-01-26. Review status: criteria provided, single submitter. Criteria: Invitae Variant Classification Sherloc (09022015). Collection method: clinical testing. Allele origin: germline.
Comment: This sequence change replaces methionine, which is neutral and non-polar, with lysine, which is basic and polar, at codon 1440 of the NF1 protein (p.Met1440Lys). This variant is not present in population databases (gnomAD no frequency). This missense change has been observed in individuals with neurofibromatosis type 1 (PMID: 25074460; internal data). Invitae Evidence Modeling of clinical and family history, age, sex, and reported ancestry of multiple individuals with this NF1 variant has been performed. This variant is expected to be pathogenic with a positive predictive value of at least 99%. This is a validated machine learning model that incorporates the clinical features of 1,785,918 individuals referred to our laboratory for NF1 testing. ClinVar contains an entry for this variant (Variation ID: 457698). Invitae Evidence Modeling of protein sequence and biophysical properties (such as structural, functional, and spatial information, amino acid conservation, physicochemical variation, residue mobility, and thermodynamic stability) indicates that this missense variant is expected to disrupt NF1 protein function with a positive predictive value of 95%. This variant disrupts the p.Met1440 amino acid residue in NF1. Other variant(s) that disrupt this residue have been observed in individuals with NF1-related conditions (PMID: 24789688, 28961165; internal data), which suggests that this may be a clinically significant amino acid residue. For these reasons, this variant has been classified as Pathogenic.

Genome-Nilou Lab
Classification: Likely pathogenic for Neurofibromatosis, type 1. Last evaluated: 2022-03-15. Review status: criteria provided, single submitter. Criteria: ACMG Guidelines, 2015. Collection method: clinical testing. Allele origin: germline. Affected: no.

GeneDx
Classification: Likely pathogenic. Last evaluated: 2019-03-08. Review status: criteria provided, single submitter. Criteria: GeneDx Variant Classification Process June 2021. Collection method: clinical testing. Allele origin: germline. Affected: yes.
Comment: Not observed in large population cohorts (Lek et al., 2016); In silico analysis, which includes protein predictors and evolutionary conservation, supports a deleterious effect; This variant is associated with the following publications: (PMID: 25074460)

Literature cited by the submitters: PubMed 25074460 (cited by Labcorp Genetics (formerly Invitae), Labcorp); PubMed 24789688 (cited by Labcorp Genetics (formerly Invitae), Labcorp); PubMed 28961165 (cited by Labcorp Genetics (formerly Invitae), Labcorp).

NM_001042492.3(NF1):c.4382T>A (p.Met1461Lys)

Gene: NF1 (neurofibromin 1; plus strand). Cytogenetic location: 17q11.2.
Variant type: single nucleotide variant.
Coding change: c.4382T>A on transcript NM_001042492.3 (MANE Select); coding-DNA position 4382, T replaced by A.
Protein change: p.Met1461Lys; replaces methionine 1461 with lysine.
Molecular consequence: missense variant.
Genome position (GRCh38, 1-based): chr17:31,259,081, T>A. VCF-style: chr17-31259081-T-A. GRCh37 (hg19) VCF-style: chr17-29586099-T-A.
Other names: c.4319T>A, p.Met1440Lys (NM_000267.4); short protein forms M1461K, M1440K.
Identifiers: ClinVar variation 457698 (VCV000457698.12), dbSNP rs754639587, ClinGen allele CA398998849.
Genomic context (GRCh38, chr17:31,259,081, plus strand): 5'-TTATTGTGTAGATACTTCAGAGTATTGCCAATCATGTTCTCTTCACAAAAGAAGAACATA[T>A]GCGGCCTTTCAATGATTTTGTGAAAAGCAACTTTGATGCAGCACGCAGGTAATTTTCTTG-3'
Protein context (NP_001035957.1, residues 1451-1471): NHVLFTKEEH[Met1461Lys]RPFNDFVKSN